The following is an entry in ClinVar:

NM_001130009.3(GEN1):c.2545_2548del (p.Glu849fs)

Gene: GEN1 (GEN1 structure-specific endonuclease; plus strand). Cytogenetic location: 2p24.2.
Variant type: Deletion.
Coding change: c.2545_2548del on transcript NM_001130009.3 (MANE Select); coding-DNA positions 2545 to 2548, 4 bases deleted (GAAA; older notation c.2545_2548delGAAA).
Protein change: p.Glu849fs; shifts the reading frame from glutamic acid 849.
Molecular consequence: frameshift variant.
Genome position (GRCh38, 1-based): chr2:17,781,757-17,781,760, GAAA deleted; deleting any 4 consecutive bases within chr2:17,781,754-17,781,760 gives the same sequence; the c. name uses the placement nearest the transcript's 3' end. VCF-style (leftmost placement, unchanged base first): chr2-17781753-TAAAG-T. GRCh37 (hg19) VCF-style: chr2-17963020-TAAAG-T.
Other names: c.2545_2548del, p.Glu849fs (NM_182625.5); short protein forms E849fs.
Identifiers: ClinVar variation 960617 (VCV000960617.7), dbSNP rs1672850735, ClinGen allele CA1139656762.

ClinVar aggregate classification (germline): Uncertain significance (1 of 4 stars; one submission).

Submission:

Labcorp Genetics (formerly Invitae), Labcorp
Classification: Uncertain significance. Last evaluated: 2019-09-23. Review status: criteria provided, single submitter. Criteria: Invitae Variant Classification Sherloc (09022015). Collection method: clinical testing. Allele origin: germline.
Comment: Experimental studies and prediction algorithms are not available or were not evaluated for this variant, and the functional significance of this variant is currently unknown. In summary, the available evidence is currently insufficient to determine the role of this variant in disease. Therefore, it has been classified as a Variant of Uncertain Significance. This variant has not been reported in the literature in individuals with GEN1-related conditions. This variant is not present in population databases (ExAC no frequency). This sequence change results in a premature translational stop signal in the GEN1 gene (p.Glu849Leufs*26). While this is not anticipated to result in nonsense mediated decay, it is expected to disrupt the last 60 amino acids of the GEN1 protein.